The following is an entry in ClinVar:

ClinVar aggregate classification (germline): Likely pathogenic (1 of 4 stars; one submission).

Conditions:
Inborn genetic diseases. Identifiers: MedGen C0950123, MeSH D030342.

Submission:

Ambry Genetics
Classification: Likely pathogenic for Inborn genetic diseases. Last evaluated: 2025-02-20. Review status: criteria provided, single submitter. Criteria: Ambry Variant Classification Scheme 2023. Collection method: clinical testing. Allele origin: germline.
Comment: The c.2656+1G>C intronic variant results from a G to C substitution one nucleotide after coding exon 32 of the COL4A3 gene. Alterations that disrupt the canonical splice site are expected to result in aberrant splicing. A resulting transcript is predicted to be in-frame and is not expected to trigger nonsense-mediated mRNAdecay, although direct evidence is unavailable. However, the region predicted to be impacted is critical for protein function (Ambry internal data). This variant was not reported in population-based cohorts in the Genome Aggregation Database (gnomAD). This nucleotide position is highly conserved in available vertebrate species. In silico splice site analysis predicts that this alteration will weaken the native splice donor site and may result in the creation or strengthening of a novel splice donor site. Based on the available evidence, this alteration is classified as likely pathogenic.

NM_000091.5(COL4A3):c.2656+1G>C

Genes: COL4A3 (collagen type IV alpha 3 chain; plus strand), MFF-DT (MFF divergent transcript; minus strand). Cytogenetic location: 2q36.3.
Variant type: single nucleotide variant.
Coding change: c.2656+1G>C on transcript NM_000091.5 (MANE Select); the canonical splice donor site of the intron after coding-DNA position 2656, G replaced by C.
Molecular consequence: splice donor variant.
Genome position (GRCh38, 1-based): chr2:227,282,533, G>C. VCF-style: chr2-227282533-G-C. GRCh37 (hg19) VCF-style: chr2-228147249-G-C.
Identifiers: ClinVar variation 3835264 (VCV003835264.1).